The following is an entry in ClinVar:

NM_000245.4(MET):c.744G>C (p.Lys248Asn)

Gene: MET (MET proto-oncogene, receptor tyrosine kinase; plus strand). Cytogenetic location: 7q31.2.
Variant type: single nucleotide variant.
Coding change: c.744G>C on transcript NM_000245.4 (MANE Select); coding-DNA position 744, G replaced by C.
Protein change: p.Lys248Asn; replaces lysine 248 with asparagine.
Molecular consequence: missense variant. On other transcripts: intron variant (1).
Genome position (GRCh38, 1-based): chr7:116,699,828, G>C. VCF-style: chr7-116699828-G-C. GRCh37 (hg19) VCF-style: chr7-116339882-G-C.
Other names: c.744G>C, p.Lys248Asn (NM_001127500.3, NM_001324401.3); c.-91+27251G>C (NM_001324402.2); short protein forms K248N.
Identifiers: ClinVar variation 3689090 (VCV003689090.2).

ClinVar aggregate classification (germline): Uncertain significance (1 of 4 stars; one submission).

Conditions:
Renal cell carcinoma. Identifiers: Orphanet 217071, MedGen C0007134, MeSH D002292, MONDO:0005086, HP:0005584.

Submission:

Labcorp Genetics (formerly Invitae), Labcorp
Classification: Uncertain significance for Renal cell carcinoma. Last evaluated: 2024-02-20. Review status: criteria provided, single submitter. Criteria: Invitae Variant Classification Sherloc (09022015). Collection method: clinical testing. Allele origin: germline.
Comment: This sequence change replaces lysine, which is basic and polar, with asparagine, which is neutral and polar, at codon 248 of the MET protein (p.Lys248Asn). This variant is not present in population databases (gnomAD no frequency). This variant has not been reported in the literature in individuals affected with MET-related conditions. Advanced modeling of protein sequence and biophysical properties (such as structural, functional, and spatial information, amino acid conservation, physicochemical variation, residue mobility, and thermodynamic stability) performed at Invitae indicates that this missense variant is not expected to disrupt MET protein function with a negative predictive value of 80%. In summary, the available evidence is currently insufficient to determine the role of this variant in disease. Therefore, it has been classified as a Variant of Uncertain Significance.